The following is an entry in ClinVar:

NM_000535.7(PMS2):c.2421T>G (p.Phe807Leu)

Gene: PMS2 (PMS1 homolog 2, mismatch repair system component; minus strand). Cytogenetic location: 7p22.1.
Variant type: single nucleotide variant.
Coding change: c.2421T>G on transcript NM_000535.7 (MANE Select); coding-DNA position 2421, T replaced by G.
Protein change: p.Phe807Leu; replaces phenylalanine 807 with leucine.
Molecular consequence: missense variant. On other transcripts: non-coding transcript variant (1).
Genome position (GRCh38, 1-based): chr7:5,977,612, A>C on the plus strand (T>G on the coding strand, the complement: PMS2 is on the minus strand). VCF-style: chr7-5977612-A-C. GRCh37 (hg19) VCF-style: chr7-6017243-A-C.
Other names: c.2016T>G, p.Phe672Leu (NM_001322003.2, NM_001322004.2, NM_001322005.2 and 11 more transcripts); c.2265T>G, p.Phe755Leu (NM_001322006.2); c.2103T>G, p.Phe701Leu (NM_001322007.2, NM_001322008.2, NM_001406883.1); c.2049T>G, p.Phe683Leu (NM_001322009.2, NM_001406887.1, NM_001406888.1); c.1860T>G, p.Phe620Leu (NM_001322010.2, NM_001406906.1, NM_001406907.1); c.1488T>G, p.Phe496Leu (NM_001322011.2, NM_001322012.2); c.1848T>G, p.Phe616Leu (NM_001322013.2, NM_001406908.1, NM_001406909.1); c.2454T>G, p.Phe818Leu (NM_001322014.2); and 20 more; short protein forms F550L, F715L, F741L, F766L, F771L, F807L, F496L, F645L.
Identifiers: ClinVar variation 4710962 (VCV004710962.1).

ClinVar aggregate classification (germline): Uncertain significance (1 of 4 stars; one submission).

Conditions:
Hereditary nonpolyposis colorectal neoplasms. Identifiers: MedGen C0009405, MeSH D003123.

Submission:

Labcorp Genetics (formerly Invitae), Labcorp
Classification: Uncertain significance for Hereditary nonpolyposis colorectal neoplasms. Last evaluated: 2025-10-26. Review status: criteria provided, single submitter. Criteria: Invitae Variant Classification Sherloc (09022015). Collection method: clinical testing. Allele origin: germline.
Comment: This sequence change replaces phenylalanine, which is neutral and non-polar, with leucine, which is neutral and non-polar, at codon 807 of the PMS2 protein (p.Phe807Leu). The frequency data for this variant in the population databases (gnomAD) is considered unreliable due to the presence of homologous sequence, such as pseudogenes or paralogs, in the genome. This variant has not been reported in the literature in individuals affected with PMS2-related conditions. Invitae Evidence Modeling incorporating data from in vitro experimental studies (internal data) indicates that this missense variant is not expected to disrupt PMS2 function with a negative predictive value of 95%. In summary, the available evidence is currently insufficient to determine the role of this variant in disease. Therefore, it has been classified as a Variant of Uncertain Significance.